The following is an entry in ClinVar:

NM_000066.4(C8B):c.1505C>A (p.Ser502Tyr)

Gene: C8B (complement C8 beta chain; minus strand). Cytogenetic location: 1p32.2.
Variant type: single nucleotide variant.
Coding change: c.1505C>A on transcript NM_000066.4 (MANE Select); coding-DNA position 1505, C replaced by A.
Protein change: p.Ser502Tyr; replaces serine 502 with tyrosine.
Molecular consequence: missense variant.
Genome position (GRCh38, 1-based): chr1:56,933,382, G>T on the plus strand (C>A on the coding strand, the complement: C8B is on the minus strand). VCF-style: chr1-56933382-G-T. GRCh37 (hg19) VCF-style: chr1-57399055-G-T.
Other names: c.1349C>A, p.Ser450Tyr (NM_001278543.2); c.1319C>A, p.Ser440Tyr (NM_001278544.2); short protein forms S502Y, S440Y, S450Y.
Identifiers: ClinVar variation 2824473 (VCV002824473.3), dbSNP rs1644729811, ClinGen allele CA340520306.
Genomic context (GRCh38, chr1:56,933,382, plus strand): 5'-CTGAAAGTGGTACCTTTCAGGACAGGGACTCCATTTCCTTGGCAGGGAGCACAGTGGCAG[G>T]AACTAACTTCCTTCTGGAACTCCTCCAGTGCCTGCTTCATGTTCTGCCTCACTGTGCTGG-3'
Protein context (NP_000057.3, residues 492-512): ALEEFQKEVS[Ser502Tyr]CHCAPCQGNG

ClinVar aggregate classification (germline): Uncertain significance (1 of 4 stars; one submission).

Submission:

Labcorp Genetics (formerly Invitae), Labcorp
Classification: Uncertain significance. Last evaluated: 2023-03-09. Review status: criteria provided, single submitter. Criteria: Invitae Variant Classification Sherloc (09022015). Collection method: clinical testing. Allele origin: germline.
Comment: In summary, the available evidence is currently insufficient to determine the role of this variant in disease. Therefore, it has been classified as a Variant of Uncertain Significance. An algorithm developed to predict the effect of missense changes on protein structure and function (PolyPhen-2) suggests that this variant is likely to be disruptive. This variant has not been reported in the literature in individuals affected with C8B-related conditions. This variant is not present in population databases (gnomAD no frequency). This sequence change replaces serine, which is neutral and polar, with tyrosine, which is neutral and polar, at codon 502 of the C8B protein (p.Ser502Tyr).